The following is an entry in ClinVar:

ClinVar aggregate classification (germline): Benign (0 of 4 stars; one submission).

Conditions:
PDXK-related disorder. Also called: PDXK-related condition.

Allele frequency attached by ClinVar (database versions not stated): 1000 Genomes Project 0.00859; 1000 Genomes Project 30x 0.00859; TOPMed 0.01263; ESP Exome Variant Server 0.01299; gnomAD 0.01402; ExAC 0.01498; gnomAD exomes 0.01580.
gnomAD v4.1: 25,222 of 1,611,278 alleles (1.6%); highest among the groups gnomAD compares: Middle Eastern, 2.5%; 264 homozygotes.

Submission:

PreventionGenetics, part of Exact Sciences
Classification: Benign for PDXK-related condition. Last evaluated: 2024-06-25. Review status: no assertion criteria provided. Collection method: clinical testing. Allele origin: germline.
Comment: This variant is classified as benign based on ACMG/AMP sequence variant interpretation guidelines (Richards et al. 2015 PMID: 25741868, with internal and published modifications).

NM_003681.5(PDXK):c.426G>A (p.Pro142=)

Gene: PDXK (pyridoxal kinase; plus strand). Cytogenetic location: 21q22.3.
Variant type: single nucleotide variant.
Coding change: c.426G>A on transcript NM_003681.5 (MANE Select); coding-DNA position 426, G replaced by A.
Protein change: p.Pro142=; no amino-acid change (proline 142 retained).
Molecular consequence: synonymous variant.
Genome position (GRCh38, 1-based): chr21:43,749,042, G>A. VCF-style: chr21-43749042-G-A. GRCh37 (hg19) VCF-style: chr21-45168923-G-A.
Other names: c.306G>A, p.Pro102= (NM_001331030.2).
Identifiers: ClinVar variation 3055680 (VCV003055680.2), dbSNP rs61737062, ClinGen allele CA10048588.